The following is an entry in ClinVar:

NM_025179.4(PLXNA2):c.1169A>C (p.Asp390Ala)

Gene: PLXNA2 (plexin A2; minus strand). Cytogenetic location: 1q32.2.
Variant type: single nucleotide variant.
Coding change: c.1169A>C on transcript NM_025179.4 (MANE Select); coding-DNA position 1169, A replaced by C.
Protein change: p.Asp390Ala; replaces aspartic acid 390 with alanine.
Molecular consequence: missense variant.
Genome position (GRCh38, 1-based): chr1:208,216,754, T>G on the plus strand (A>C on the coding strand, the complement: PLXNA2 is on the minus strand). VCF-style: chr1-208216754-T-G. GRCh37 (hg19) VCF-style: chr1-208390099-T-G.
Other names: short protein forms D390A.
Identifiers: ClinVar variation 3215535 (VCV003215535.3), dbSNP rs1671141804, ClinGen allele CA344557318.

ClinVar aggregate classification (germline): Uncertain significance. Review status: criteria provided, multiple submitters, no conflicts (2 of 4 stars). 2 submissions from 2 submitters: Uncertain significance (2). Last evaluated 2026-07-20.

Conditions:
PLXNA2-related disorder. Also called: PLXNA2-related condition.

Allele frequency attached by ClinVar (database versions not stated): gnomAD exomes below 0.00001; gnomAD 0.00001; TOPMed 0.00001.

Submissions (2):

PreventionGenetics, part of Exact Sciences
Classification: Uncertain significance for PLXNA2-related condition. Last evaluated: 2026-07-20. Review status: criteria provided, single submitter. Criteria: ACMG Guidelines, 2015. Collection method: clinical testing. Allele origin: germline.
Comment: The PLXNA2 c.1169A>C variant is predicted to result in the amino acid substitution p.Asp390Ala. To our knowledge, this variant has not been reported in the literature or in a large population database, indicating this variant is rare. At this time, the clinical significance of this variant is uncertain due to the absence of conclusive functional and genetic evidence.

Ambry Genetics
Classification: Uncertain significance. Last evaluated: 2023-11-03. Review status: criteria provided, single submitter. Criteria: Ambry Variant Classification Scheme 2023. Collection method: clinical testing. Allele origin: germline.